The following is an entry in ClinVar:

ClinVar aggregate classification (germline): Likely pathogenic. Review status: criteria provided, multiple submitters, no conflicts (2 of 4 stars). 2 submissions from 2 submitters: Likely pathogenic (2). Last evaluated 2024-02-22.

Conditions:
Fanconi anemia (FA). Also called: Fanconi's anemia. Identifiers: Orphanet 84, MedGen C0015625, MeSH D005199, MONDO:0019391.
Fanconi anemia complementation group I (FANCI). Also called: FANCI-Related Fanconi Anemia. Identifiers: Orphanet 84, MedGen C1836861, MONDO:0012186, OMIM 609053.

Submissions (2):

Baylor Genetics
Classification: Likely pathogenic for Fanconi anemia complementation group I. Last evaluated: 2024-02-22. Review status: criteria provided, single submitter. Criteria: ACMG Guidelines, 2015. Collection method: clinical testing. Allele origin: unknown.

Labcorp Genetics (formerly Invitae), Labcorp
Classification: Likely pathogenic for Fanconi anemia. Last evaluated: 2023-06-16. Review status: criteria provided, single submitter. Criteria: Invitae Variant Classification Sherloc (09022015). Collection method: clinical testing. Allele origin: germline.
Comment: In summary, the currently available evidence indicates that the variant is pathogenic, but additional data are needed to prove that conclusively. Therefore, this variant has been classified as Likely Pathogenic. Algorithms developed to predict the effect of sequence changes on RNA splicing suggest that this variant may disrupt the consensus splice site. This variant has not been reported in the literature in individuals affected with FANCI-related conditions. This variant is not present in population databases (gnomAD no frequency). This sequence change affects a donor splice site in intron 17 of the FANCI gene. It is expected to disrupt RNA splicing. Variants that disrupt the donor or acceptor splice site typically lead to a loss of protein function (PMID: 16199547), and loss-of-function variants in FANCI are known to be pathogenic (PMID: 17452773, 17460694).

Literature cited by the submitters: PubMed 16199547 (cited by Labcorp Genetics (formerly Invitae), Labcorp); PubMed 17452773 (cited by Labcorp Genetics (formerly Invitae), Labcorp); PubMed 17460694 (cited by Labcorp Genetics (formerly Invitae), Labcorp).

NM_001113378.2(FANCI):c.1698+1G>A

Gene: FANCI (FA complementation group I; plus strand). Cytogenetic location: 15q26.1.
Variant type: single nucleotide variant.
Coding change: c.1698+1G>A on transcript NM_001113378.2 (MANE Select); the canonical splice donor site of the intron after coding-DNA position 1698, G replaced by A.
Molecular consequence: splice donor variant.
Genome position (GRCh38, 1-based): chr15:89,283,251, G>A. VCF-style: chr15-89283251-G-A. GRCh37 (hg19) VCF-style: chr15-89826482-G-A.
Other names: c.1698+1G>A (NM_018193.3, NM_001376911.1); c.1419+1G>A (NM_001376910.1).
Identifiers: ClinVar variation 2770319 (VCV002770319.4), dbSNP rs2506961955, ClinGen allele CA393745227.